The following is an entry in ClinVar:

NM_001042492.3(NF1):c.8309T>A (p.Leu2770His)

Gene: NF1 (neurofibromin 1; plus strand). Cytogenetic location: 17q11.2.
Variant type: single nucleotide variant.
Coding change: c.8309T>A on transcript NM_001042492.3 (MANE Select); coding-DNA position 8309, T replaced by A.
Protein change: p.Leu2770His; replaces leucine 2770 with histidine.
Molecular consequence: missense variant.
Genome position (GRCh38, 1-based): chr17:31,360,635, T>A. VCF-style: chr17-31360635-T-A. GRCh37 (hg19) VCF-style: chr17-29687653-T-A.
Other names: c.8246T>A, p.Leu2749His (NM_000267.4); short protein forms L2749H, L2770H.
Identifiers: ClinVar variation 3237979 (VCV003237979.1), dbSNP rs2151588101.
Genomic context (GRCh38, chr17:31,360,635, plus strand): 5'-CCAGTGAAGAATCCCTCCTGACTCCCACATCTCCTTACCCTCCTGCACTGCAGAGCCAGC[T>A]TAGTATCACTGCCAACCTTAACCTTTCTAATTCCATGACCTCACTTGCAACTTCCCAGCA-3'
Protein context (NP_001035957.1, residues 2760-2780): SPYPPALQSQ[Leu2770His]SITANLNLSN

ClinVar aggregate classification (germline): Uncertain significance (1 of 4 stars; one submission).

Conditions:
Hereditary cancer-predisposing syndrome. Also called: Neoplastic Syndromes, Hereditary; Tumor predisposition; Hereditary neoplastic syndrome; Hereditary Cancer Syndrome. Identifiers: Orphanet 140162, MedGen C0027672, MeSH D009386, MONDO:0015356.
Cardiovascular phenotype. Identifiers: MedGen CN230736.

Submission:

Ambry Genetics
Classification: Uncertain significance for Cardiovascular phenotype; Hereditary cancer-predisposing syndrome. Last evaluated: 2023-09-14. Review status: criteria provided, single submitter. Criteria: Ambry Variant Classification Scheme 2023. Collection method: clinical testing. Allele origin: germline.
Comment: The p.L2749H variant (also known as c.8246T>A), located in coding exon 56 of the NF1 gene, results from a T to A substitution at nucleotide position 8246. The leucine at codon 2749 is replaced by histidine, an amino acid with similar properties. This amino acid position is conserved. In addition, the in silico prediction for this alteration is inconclusive. Since supporting evidence is limited at this time, the clinical significance of this alteration remains unclear.